The following is an entry in ClinVar:

Conditions:
Breast-ovarian cancer, familial, susceptibility to, 1 (BROVCA1). Also called: BRCA1 Hereditary Breast and Ovarian Cancer; OVARIAN CANCER, SUSCEPTIBILITY TO. Identifiers: Orphanet 145, MedGen C2676676, MONDO:0011450, OMIM 604370. Disease mechanism: loss of function.

Submission:

Brotman Baty Institute, University of Washington
No classification provided (evidence only). Condition: Breast-ovarian cancer, familial 1. Review status: no classification provided. Collection method: in vitro. Allele origin: not applicable. Functional consequence: functionally_abnormal.
ClinVar note: "not provided" was previously submitted as the classification for the variant. However, the classification appeared to be based only on an observation of functional data so it was converted to no classification on 2025-07-30.

NM_007294.4(BRCA1):c.140G>C (p.Cys47Ser)

Gene: BRCA1 (BRCA1 DNA repair associated; minus strand). Cytogenetic location: 17q21.31.
Variant type: single nucleotide variant.
Coding change: c.140G>C on transcript NM_007294.4 (MANE Select); coding-DNA position 140, G replaced by C.
Protein change: p.Cys47Ser; replaces cysteine 47 with serine.
Molecular consequence: missense variant. On other transcripts: 5 prime UTR variant (163), intron variant (34).
Genome position (GRCh38, 1-based): chr17:43,106,528, C>G on the plus strand (G>C on the coding strand, the complement: BRCA1 is on the minus strand). VCF-style: chr17-43106528-C-G. GRCh37 (hg19) VCF-style: chr17-41258545-C-G.
Other names: c.140G>C, p.Cys47Ser (NM_001408436.1, NM_001408437.1, NM_001408438.1 and 168 more transcripts); c.-2G>C (NM_001408452.1, NM_001408453.1, NM_001408454.1 and 99 more transcripts); c.-49G>C (NM_001407902.1, NM_001407904.1, NM_001407906.1 and 58 more transcripts); c.-218-11668G>C (NM_001407967.1, NM_001407966.1); c.-169-1572G>C (NM_001407959.1, NM_001407962.1, NM_001408512.1 and 4 more transcripts); c.81-1572G>C (NM_001408451.1); c.135-1572G>C (NM_001408475.1, NM_001407875.1, NM_001407659.1 and 21 more transcripts); short protein forms C47S.
Identifiers: ClinVar variation 868217 (VCV000868217.3), dbSNP rs80357150, ClinGen allele CA10601874.